The following is an entry in ClinVar:

ClinVar aggregate classification (germline): Uncertain significance (1 of 4 stars; one submission).

Allele frequency attached by ClinVar (database versions not stated): ExAC 0.00001; TOPMed 0.00004; gnomAD exomes 0.00012.
gnomAD v4.1: 173 of 1,613,274 alleles (0.011%); highest among the groups gnomAD compares: Non-Finnish European, 0.014%; no homozygotes.

Submission:

Labcorp Genetics (formerly Invitae), Labcorp
Classification: Uncertain significance. Last evaluated: 2022-04-28. Review status: criteria provided, single submitter. Criteria: Invitae Variant Classification Sherloc (09022015). Collection method: clinical testing. Allele origin: germline.
Comment: This sequence change replaces lysine, which is basic and polar, with arginine, which is basic and polar, at codon 34 of the DNAJC21 protein (p.Lys34Arg). This variant is present in population databases (rs772525486, gnomAD 0.004%). This variant has not been reported in the literature in individuals affected with DNAJC21-related conditions. Algorithms developed to predict the effect of missense changes on protein structure and function are either unavailable or do not agree on the potential impact of this missense change (SIFT: "Deleterious"; PolyPhen-2: "Probably Damaging"; Align-GVGD: "Class C0"). Algorithms developed to predict the effect of sequence changes on RNA splicing suggest that this variant may create or strengthen a splice site. This variant disrupts the p.Lys34 amino acid residue in DNAJC21. Other variant(s) that disrupt this residue have been determined to be pathogenic (PMID: 28062395, 29700810). This suggests that this residue is clinically significant, and that variants that disrupt this residue are likely to be disease-causing. In summary, the available evidence is currently insufficient to determine the role of this variant in disease. Therefore, it has been classified as a Variant of Uncertain Significance.

Literature cited by the submitters: PubMed 28062395; PubMed 29700810.

NM_001012339.3(DNAJC21):c.101A>G (p.Lys34Arg)

Gene: DNAJC21 (DnaJ heat shock protein family (Hsp40) member C21; plus strand). Cytogenetic location: 5p13.2.
Variant type: single nucleotide variant.
Coding change: c.101A>G on transcript NM_001012339.3 (MANE Select); coding-DNA position 101, A replaced by G.
Protein change: p.Lys34Arg; replaces lysine 34 with arginine.
Molecular consequence: missense variant.
Genome position (GRCh38, 1-based): chr5:34,933,818, A>G. VCF-style: chr5-34933818-A-G. GRCh37 (hg19) VCF-style: chr5-34933923-A-G.
Other names: c.101A>G, p.Lys34Arg (NM_001348420.2, NM_194283.4); short protein forms K34R.
Identifiers: ClinVar variation 1981059 (VCV001981059.1), dbSNP rs772525486, ClinGen allele CA3228343.
Genomic context (GRCh38, chr5:34,933,818, plus strand): 5'-TATTTAGATTCTGTCCTGTACGTTTTTGATTGACTTAAATTTCTGTGACTTTAACAGATA[A>G]AAATCTGGATAATGCCGCAGAAGCAGCTGAACAATTTAAATTAATCCAAGCAGCATATGA-3'
Protein context (NP_001012339.2, residues 24-44): RKLALKWHPD[Lys34Arg]NLDNAAEAAE